The following is an entry in ClinVar:

NM_170682.4(P2RX2):c.10G>T (p.Ala4Ser)

Gene: P2RX2 (purinergic receptor P2X 2; plus strand). Cytogenetic location: 12q24.33.
Variant type: single nucleotide variant.
Coding change: c.10G>T on transcript NM_170682.4 (MANE Select); coding-DNA position 10, G replaced by T.
Protein change: p.Ala4Ser; replaces alanine 4 with serine.
Molecular consequence: missense variant.
Genome position (GRCh38, 1-based): chr12:132,618,826, G>T. VCF-style: chr12-132618826-G-T. GRCh37 (hg19) VCF-style: chr12-133195412-G-T.
Other names: c.10G>T, p.Ala4Ser (NM_001282164.2, NM_001282165.2, NM_012226.5 and 4 more transcripts); short protein forms A4S.
Identifiers: ClinVar variation 3392791 (VCV003392791.1).

ClinVar aggregate classification (germline): Uncertain significance (1 of 4 stars; one submission).

Submission:

GeneDx
Classification: Uncertain significance. Last evaluated: 2024-06-26. Review status: criteria provided, single submitter. Criteria: GeneDx Variant Classification Process June 2021. Collection method: clinical testing. Allele origin: germline. Affected: yes.
Comment: Not observed at significant frequency in large population cohorts (gnomAD); In silico analysis indicates that this missense variant does not alter protein structure/function; Has not been previously published as pathogenic or benign to our knowledge